The following is an entry in ClinVar:

ClinVar aggregate classification (germline): Uncertain significance. Review status: criteria provided, multiple submitters, no conflicts (2 of 4 stars). 2 submissions from 2 submitters: Uncertain significance (2). Last evaluated 2026-06-20.

Conditions:
DICER1-related tumor predisposition. Also called: DICER1 syndrome; DICER1-related pleuropulmonary blastoma cancer predisposition syndrome. Identifiers: Orphanet 284343, MedGen C3839822, MONDO:0100216.
Hereditary cancer-predisposing syndrome. Also called: Neoplastic Syndromes, Hereditary; Hereditary Cancer Syndrome; Hereditary neoplastic syndrome; Tumor predisposition. Identifiers: Orphanet 140162, MedGen C0027672, MeSH D009386, MONDO:0015356.

Submissions (2):

Ambry Genetics
Classification: Uncertain significance for Hereditary cancer-predisposing syndrome. Last evaluated: 2026-06-20. Review status: criteria provided, single submitter. Criteria: Ambry Variant Classification Scheme 2023. Collection method: clinical testing. Allele origin: germline.
Comment: The p.Q1207R variant (also known as c.3620A>G), located in coding exon 20 of the DICER1 gene, results from an A to G substitution at nucleotide position 3620. The glutamine at codon 1207 is replaced by arginine, an amino acid with highly similar properties. This amino acid position is conserved. In addition, this alteration is predicted to be tolerated by in silico analysis. Based on the available evidence, the clinical significance of this variant remains unclear.

Labcorp Genetics (formerly Invitae), Labcorp
Classification: Uncertain significance for DICER1-related tumor predisposition. Last evaluated: 2022-11-15. Review status: criteria provided, single submitter. Criteria: Invitae Variant Classification Sherloc (09022015). Collection method: clinical testing. Allele origin: germline.
Comment: In summary, the available evidence is currently insufficient to determine the role of this variant in disease. Therefore, it has been classified as a Variant of Uncertain Significance. Advanced modeling of protein sequence and biophysical properties (such as structural, functional, and spatial information, amino acid conservation, physicochemical variation, residue mobility, and thermodynamic stability) performed at Invitae indicates that this missense variant is not expected to disrupt DICER1 protein function. ClinVar contains an entry for this variant (Variation ID: 647598). This variant has not been reported in the literature in individuals affected with DICER1-related conditions. This variant is not present in population databases (gnomAD no frequency). This sequence change replaces glutamine, which is neutral and polar, with arginine, which is basic and polar, at codon 1207 of the DICER1 protein (p.Gln1207Arg).

NM_177438.3(DICER1):c.3620A>G (p.Gln1207Arg)

Gene: DICER1 (dicer 1, ribonuclease III; minus strand). Cytogenetic location: 14q32.13.
Variant type: single nucleotide variant.
Coding change: c.3620A>G on transcript NM_177438.3 (MANE Select); coding-DNA position 3620, A replaced by G.
Protein change: p.Gln1207Arg; replaces glutamine 1207 with arginine.
Molecular consequence: missense variant.
Genome position (GRCh38, 1-based): chr14:95,103,776, T>C on the plus strand (A>G on the coding strand, the complement: DICER1 is on the minus strand). VCF-style: chr14-95103776-T-C. GRCh37 (hg19) VCF-style: chr14-95570113-T-C.
Other names: c.3620A>G, p.Gln1207Arg (NM_001195573.1, NM_001271282.3, NM_001291628.2 and 1 more transcripts); short protein forms Q1207R.
Identifiers: ClinVar variation 647598 (VCV000647598.11), dbSNP rs1595365751, ClinGen allele CA390874648.